The following is an entry in ClinVar:

NM_000368.5(TSC1):c.3240A>G (p.Ser1080=)

Gene: TSC1 (TSC complex subunit 1; minus strand). Cytogenetic location: 9q34.13.
Variant type: single nucleotide variant.
Coding change: c.3240A>G on transcript NM_000368.5 (MANE Select); coding-DNA position 3240, A replaced by G.
Protein change: p.Ser1080=; no amino-acid change (serine 1080 retained).
Molecular consequence: synonymous variant.
Genome position (GRCh38, 1-based): chr9:132,896,490, T>C on the plus strand (A>G on the coding strand, the complement: TSC1 is on the minus strand). VCF-style: chr9-132896490-T-C. GRCh37 (hg19) VCF-style: chr9-135771877-T-C.
Other names: c.3237A>G, p.Ser1079= (NM_001162426.2); c.3087A>G, p.Ser1029= (NM_001162427.2); c.2877A>G, p.Ser959= (NM_001362177.2).
Identifiers: ClinVar variation 515676 (VCV000515676.17), dbSNP rs1554812759, ClinGen allele CA467813342.

ClinVar aggregate classification (germline): Likely benign. Review status: criteria provided, multiple submitters, no conflicts (2 of 4 stars). 4 submissions from 4 submitters: Likely benign (4). Last evaluated 2024-12-14.

Conditions:
Hereditary cancer-predisposing syndrome. Also called: Neoplastic Syndromes, Hereditary; Tumor predisposition; Hereditary Cancer Syndrome; Hereditary neoplastic syndrome. Identifiers: Orphanet 140162, MedGen C0027672, MeSH D009386, MONDO:0015356.
Tuberous sclerosis 1 (TSC1). Identifiers: Orphanet 805, MedGen C1854465, MONDO:0008612, OMIM 191100.

Submissions (4):

Labcorp Genetics (formerly Invitae), Labcorp
Classification: Likely benign for Tuberous sclerosis 1. Last evaluated: 2024-12-14. Review status: criteria provided, single submitter. Criteria: Invitae Variant Classification Sherloc (09022015). Collection method: clinical testing. Allele origin: germline.

Genome-Nilou Lab
Classification: Likely benign for Tuberous sclerosis 1. Last evaluated: 2021-11-07. Review status: criteria provided, single submitter. Criteria: ACMG Guidelines, 2015. Collection method: clinical testing. Allele origin: germline. Affected: no.

Ambry Genetics
Classification: Likely benign for Hereditary cancer-predisposing syndrome. Last evaluated: 2019-08-19. Review status: criteria provided, single submitter. Criteria: Ambry Variant Classification Scheme 2023. Collection method: clinical testing. Allele origin: germline.

GeneDx
Classification: Likely benign. Last evaluated: 2018-02-21. Review status: criteria provided, single submitter. Criteria: GeneDx Variant Classification (06012015). Collection method: clinical testing. Allele origin: germline. Affected: yes.
Comment: This variant is considered likely benign or benign based on one or more of the following criteria: it is a conservative change, it occurs at a poorly conserved position in the protein, it is predicted to be benign by multiple in silico algorithms, and/or has population frequency not consistent with disease.